The following is an entry in ClinVar:

NM_005592.4(MUSK):c.2125G>A (p.Val709Met)

Gene: MUSK (muscle associated receptor tyrosine kinase; plus strand). Cytogenetic location: 9q31.3.
Variant type: single nucleotide variant.
Coding change: c.2125G>A on transcript NM_005592.4 (MANE Select); coding-DNA position 2125, G replaced by A.
Protein change: p.Val709Met; replaces valine 709 with methionine.
Molecular consequence: missense variant.
Genome position (GRCh38, 1-based): chr9:110,800,503, G>A. VCF-style: chr9-110800503-G-A. GRCh37 (hg19) VCF-style: chr9-113562783-G-A.
Other names: c.1867G>A, p.Val623Met (NM_001166280.2); c.1837G>A, p.Val613Met (NM_001166281.2); c.865G>A, p.Val289Met (NM_001369398.1); short protein forms V613M, V709M, V289M, V623M.
Identifiers: ClinVar variation 1436627 (VCV001436627.7), dbSNP rs2132066572, ClinGen allele CA374478174.

ClinVar aggregate classification (germline): Uncertain significance (1 of 4 stars; one submission).

Conditions:
Fetal akinesia deformation sequence 1 (FADS1). Also called: Pena-Shokeir syndrome type I; Fetal akinesia sequence. Identifiers: Orphanet 994, MedGen C1276035, MONDO:0100101, OMIM 208150, HP:0001989.
Congenital myasthenic syndrome 9. Also called: Myasthenic syndrome, congenital, 9, associated with acetylcholine receptor deficiency. Identifiers: Orphanet 590, MedGen C4225368, MONDO:0014587, OMIM 616325.

Submission:

Labcorp Genetics (formerly Invitae), Labcorp
Classification: Uncertain significance for Congenital myasthenic syndrome 9; Fetal akinesia deformation sequence 1. Last evaluated: 2024-07-29. Review status: criteria provided, single submitter. Criteria: Invitae Variant Classification Sherloc (09022015). Collection method: clinical testing. Allele origin: germline.
Comment: This sequence change replaces valine, which is neutral and non-polar, with methionine, which is neutral and non-polar, at codon 709 of the MUSK protein (p.Val709Met). This variant is not present in population databases (gnomAD no frequency). This variant has not been reported in the literature in individuals affected with MUSK-related conditions. ClinVar contains an entry for this variant (Variation ID: 1436627). Advanced modeling of protein sequence and biophysical properties (such as structural, functional, and spatial information, amino acid conservation, physicochemical variation, residue mobility, and thermodynamic stability) performed at Invitae indicates that this missense variant is expected to disrupt MUSK protein function with a positive predictive value of 80%. In summary, the available evidence is currently insufficient to determine the role of this variant in disease. Therefore, it has been classified as a Variant of Uncertain Significance.